The following is an entry in ClinVar:

ClinVar aggregate classification (germline): Likely pathogenic (1 of 4 stars; one submission).

Conditions:
Marfan syndrome (MFS). Also called: FBN1-Related Marfan Syndrome; MARFAN SYNDROME, TYPE I; Marfan syndrome type 1; Marfan's syndrome; Marfan syndrome, classic. Identifiers: Orphanet 284963, Orphanet 558, MedGen C0024796, MONDO:0007947, OMIM 154700.
Familial thoracic aortic aneurysm and aortic dissection (TAAD). Also called: Thoracic aortic aneurysms and dissections. Identifiers: Orphanet 91387, MedGen C4707243, MONDO:0019625.

Submission:

Labcorp Genetics (formerly Invitae), Labcorp
Classification: Likely pathogenic for Marfan syndrome; Familial thoracic aortic aneurysm and aortic dissection. Last evaluated: 2020-02-17. Review status: criteria provided, single submitter. Criteria: Invitae Variant Classification Sherloc (09022015). Collection method: clinical testing. Allele origin: germline.
Comment: This variant is not present in population databases (ExAC no frequency). This sequence change replaces cysteine with glycine at codon 696 of the FBN1 protein (p.Cys696Gly). The cysteine residue is highly conserved and there is a large physicochemical difference between cysteine and glycine. This variant has not been reported in the literature in individuals with FBN1-related conditions. Algorithms developed to predict the effect of missense changes on protein structure and function are either unavailable or do not agree on the potential impact of this missense change (SIFT: "Deleterious"; PolyPhen-2: "Probably Damaging"; Align-GVGD: "Class C0"). In summary, the currently available evidence indicates that the variant is pathogenic, but additional data are needed to prove that conclusively. Therefore, this variant has been classified as Likely Pathogenic. This variant affects a cysteine residue in the EGF-like, TGFBP or hybrid motif domains of FBN1. Cysteine residues are believed to be involved in intramolecular disulfide bridges and have been shown to be important for FBN1 protein structure (PMID: 16905551, 19349279). In addition, missense substitutions affecting cysteine residues within these domains are significantly overrepresented among patients with Marfan syndrome (PMID: 16571647, 17701892).

Literature cited by the submitters: PubMed 16905551; PubMed 19349279; PubMed 16571647; PubMed 17701892.

NM_000138.5(FBN1):c.2086T>G (p.Cys696Gly)

Gene: FBN1 (fibrillin 1; minus strand). Cytogenetic location: 15q21.1.
Variant type: single nucleotide variant.
Coding change: c.2086T>G on transcript NM_000138.5 (MANE Select); coding-DNA position 2086, T replaced by G.
Protein change: p.Cys696Gly; replaces cysteine 696 with glycine.
Molecular consequence: missense variant.
Genome position (GRCh38, 1-based): chr15:48,503,814, A>C on the plus strand (T>G on the coding strand, the complement: FBN1 is on the minus strand). VCF-style: chr15-48503814-A-C. GRCh37 (hg19) VCF-style: chr15-48796011-A-C.
Other names: short protein forms C696G.
Identifiers: ClinVar variation 1066508 (VCV001066508.9), dbSNP rs2141315718, ClinGen allele CA392338047.